The following is an entry in ClinVar:

NM_001127208.3(TET2):c.1162A>G (p.Thr388Ala)

Genes: TET2 (tet methylcytosine dioxygenase 2; plus strand), TET2-AS1 (TET2 antisense RNA 1; minus strand). Cytogenetic location: 4q24.
Variant type: single nucleotide variant.
Coding change: c.1162A>G on transcript NM_001127208.3 (MANE Select); coding-DNA position 1162, A replaced by G.
Protein change: p.Thr388Ala; replaces threonine 388 with alanine.
Molecular consequence: missense variant.
Genome position (GRCh38, 1-based): chr4:105,235,104, A>G. VCF-style: chr4-105235104-A-G. GRCh37 (hg19) VCF-style: chr4-106156261-A-G.
Other names: c.1162A>G, p.Thr388Ala (NM_017628.4); short protein forms T388A.
Identifiers: ClinVar variation 2818630 (VCV002818630.3), dbSNP rs2110225134, ClinGen allele CA357794180.
Genomic context (GRCh38, chr4:105,235,104, plus strand): 5'-GAACGGTATTTAAAACAAAATGAAATGAATGGTGCTTACTTCAAGCAAAGCTCAGTGTTC[A>G]CTAAGGATTCCTTTTCTGCCACTACCACACCACCACCACCATCACAATTGCTTCTTTCTC-3'
Protein context (NP_001120680.1, residues 378-398): GAYFKQSSVF[Thr388Ala]KDSFSATTTP

ClinVar aggregate classification (germline): Uncertain significance (1 of 4 stars; one submission).

Submission:

Labcorp Genetics (formerly Invitae), Labcorp
Classification: Uncertain significance. Last evaluated: 2022-12-08. Review status: criteria provided, single submitter. Criteria: Invitae Variant Classification Sherloc (09022015). Collection method: clinical testing. Allele origin: germline.
Comment: In summary, the available evidence is currently insufficient to determine the role of this variant in disease. Therefore, it has been classified as a Variant of Uncertain Significance. Algorithms developed to predict the effect of missense changes on protein structure and function output the following: SIFT: "Tolerated"; PolyPhen-2: "Benign"; Align-GVGD: "Class C0". The alanine amino acid residue is found in multiple mammalian species, which suggests that this missense change does not adversely affect protein function. This variant has not been reported in the literature in individuals affected with TET2-related conditions. This variant is not present in population databases (gnomAD no frequency). This sequence change replaces threonine, which is neutral and polar, with alanine, which is neutral and non-polar, at codon 388 of the TET2 protein (p.Thr388Ala).